The following is an entry in ClinVar:

ClinVar aggregate classification (germline): Uncertain significance. Review status: criteria provided, multiple submitters, no conflicts (2 of 4 stars). 2 submissions from 2 submitters: Uncertain significance (2). Last evaluated 2024-11-13.

Conditions:
Chédiak-Higashi syndrome (CHS). Also called: Chediak-Higashi Syndrome. Identifiers: Orphanet 167, MedGen C0007965, MONDO:0008963, OMIM 214500.

Allele frequency attached by ClinVar (database versions not stated): gnomAD exomes below 0.00001.
gnomAD v4.1: 5 of 1,614,136 alleles (0.00031%); highest among the groups gnomAD compares: Non-Finnish European, 0.00042%; no homozygotes.

Submissions (2):

Women's Health and Genetics/Laboratory Corporation of America, LabCorp
Classification: Uncertain significance. Last evaluated: 2024-11-13. Review status: criteria provided, single submitter. Criteria: LabCorp Variant Classification Summary - May 2015. Collection method: clinical testing. Allele origin: germline.
Comment: Variant summary: LYST c.6646G>C (p.Asp2216His) results in a non-conservative amino acid change in the encoded protein sequence. Three of five in-silico tools predict a damaging effect of the variant on protein function. The frequency data for this variant in gnomAD is considered unreliable, as metrics indicate poor data quality at this position. To our knowledge, no occurrence of c.6646G>C in individuals affected with Chediak-Higashi Syndrome and no experimental evidence demonstrating its impact on protein function have been reported. ClinVar contains an entry for this variant (Variation ID: 1380350). Based on the evidence outlined above, the variant was classified as uncertain significance.

Labcorp Genetics (formerly Invitae), Labcorp
Classification: Uncertain significance for Chédiak-Higashi syndrome. Last evaluated: 2022-07-05. Review status: criteria provided, single submitter. Criteria: Invitae Variant Classification Sherloc (09022015). Collection method: clinical testing. Allele origin: germline.
Comment: This sequence change replaces aspartic acid, which is acidic and polar, with histidine, which is basic and polar, at codon 2216 of the LYST protein (p.Asp2216His). This variant is not present in population databases (gnomAD no frequency). This variant has not been reported in the literature in individuals affected with LYST-related conditions. ClinVar contains an entry for this variant (Variation ID: 1380350). Algorithms developed to predict the effect of missense changes on protein structure and function (SIFT, PolyPhen-2, Align-GVGD) all suggest that this variant is likely to be tolerated. In summary, the available evidence is currently insufficient to determine the role of this variant in disease. Therefore, it has been classified as a Variant of Uncertain Significance.

NM_000081.4(LYST):c.6646G>C (p.Asp2216His)

Gene: LYST (lysosomal trafficking regulator; minus strand). Cytogenetic location: 1q42.3.
Variant type: single nucleotide variant.
Coding change: c.6646G>C on transcript NM_000081.4 (MANE Select); coding-DNA position 6646, G replaced by C.
Protein change: p.Asp2216His; replaces aspartic acid 2216 with histidine.
Molecular consequence: missense variant.
Genome position (GRCh38, 1-based): chr1:235,759,207, C>G on the plus strand (G>C on the coding strand, the complement: LYST is on the minus strand). VCF-style: chr1-235759207-C-G. GRCh37 (hg19) VCF-style: chr1-235922507-C-G.
Other names: c.6646G>C, p.Asp2216His (NM_001301365.1); short protein forms D2216H.
Identifiers: ClinVar variation 1380350 (VCV001380350.4), dbSNP rs1459487776, ClinGen allele CA344940093.